The following is an entry in ClinVar:

NM_006329.4(FBLN5):c.1313G>A (p.Arg438Gln)

Gene: FBLN5 (fibulin 5; minus strand). Cytogenetic location: 14q32.12.
Variant type: single nucleotide variant.
Coding change: c.1313G>A on transcript NM_006329.4 (MANE Select); coding-DNA position 1313, G replaced by A.
Protein change: p.Arg438Gln; replaces arginine 438 with glutamine.
Molecular consequence: missense variant. On other transcripts: 3 prime UTR variant (2).
Genome position (GRCh38, 1-based): chr14:91,870,258, C>T on the plus strand (G>A on the coding strand, the complement: FBLN5 is on the minus strand). VCF-style: chr14-91870258-C-T. GRCh37 (hg19) VCF-style: chr14-92336602-C-T.
Other names: c.1436G>A, p.Arg479Gln (NM_001384158.1); c.1364G>A, p.Arg455Gln (NM_001384159.1); c.*97G>A (NM_001384160.1, NM_001384161.1); c.1145G>A, p.Arg382Gln (NM_001384162.1); short protein forms R438Q, R455Q, R382Q, R479Q.
Identifiers: ClinVar variation 1981216 (VCV001981216.5), dbSNP rs772620656, ClinGen allele CA7312567.

ClinVar aggregate classification (germline): Uncertain significance. Review status: criteria provided, multiple submitters, no conflicts (2 of 4 stars). 2 submissions from 2 submitters: Uncertain significance (2). Last evaluated 2025-06-16.

Allele frequency attached by ClinVar (database versions not stated): gnomAD 0.00001; ExAC 0.00002; TOPMed 0.00002.
gnomAD v4.1: 12 of 1,614,104 alleles (0.00074%); highest among the groups gnomAD compares: South Asian, 0.0077%; no homozygotes.

Submissions (2):

Labcorp Genetics (formerly Invitae), Labcorp
Classification: Uncertain significance. Last evaluated: 2025-06-16. Review status: criteria provided, single submitter. Criteria: Invitae Variant Classification Sherloc (09022015). Collection method: clinical testing. Allele origin: germline.
Comment: This sequence change replaces arginine, which is basic and polar, with glutamine, which is neutral and polar, at codon 438 of the FBLN5 protein (p.Arg438Gln). This variant is present in population databases (rs772620656, gnomAD 0.01%). This variant has not been reported in the literature in individuals affected with FBLN5-related conditions. ClinVar contains an entry for this variant (Variation ID: 1981216). Invitae Evidence Modeling of protein sequence and biophysical properties (such as structural, functional, and spatial information, amino acid conservation, physicochemical variation, residue mobility, and thermodynamic stability) indicates that this missense variant is not expected to disrupt FBLN5 protein function with a negative predictive value of 80%. In summary, the available evidence is currently insufficient to determine the role of this variant in disease. Therefore, it has been classified as a Variant of Uncertain Significance.

ARUP Laboratories, Molecular Genetics and Genomics, ARUP Laboratories
Classification: Uncertain significance. Last evaluated: 2025-05-05. Review status: criteria provided, single submitter. Criteria: ARUP Molecular Germline Variant Investigation Process 2024. Collection method: clinical testing. Allele origin: germline.
Comment: The FBLN5 c.1313G>A; p.Arg438Gln variant (rs772620656), to our knowledge, is not reported in the medical literature but is reported in ClinVar (Variation ID: 1981216). This variant is found in the general population with an overall allele frequency of 0.002% (6/282,848 alleles) in the Genome Aggregation Database (v2.1.1). Computational analyses are uncertain whether this variant is neutral or deleterious (REVEL: 0.603). Due to limited information, the clinical significance of this variant is uncertain at this time.